The following is an entry in ClinVar:

NC_000017.10:g.(?_41219605)_(41228651_?)dup

Gene: BRCA1 (BRCA1 DNA repair associated; minus strand). Cytogenetic location: 17q21.31.
Variant type: Duplication.
Identifiers: ClinVar variation 583797 (VCV000583797.4).

ClinVar aggregate classification (germline): Uncertain significance (1 of 4 stars; one submission).

Conditions:
Hereditary breast ovarian cancer syndrome. Also called: Hereditary breast and ovarian cancer syndrome; Hereditary breast and/or ovarian cancer syndrome; Hereditary breast and ovarian cancer syndrome (HBOC); Breast and ovarian cancer; BRCA1- and BRCA2-Associated Hereditary Breast and Ovarian Cancer; Hereditary breast and ovarian cancer. Identifiers: Orphanet 145, MedGen C0677776, MeSH D061325, MONDO:0003582. Disease mechanism: loss of function.

Submission:

Labcorp Genetics (formerly Invitae), Labcorp
Classification: Uncertain significance for Hereditary breast ovarian cancer syndrome. Last evaluated: 2022-09-13. Review status: criteria provided, single submitter. Criteria: Invitae Variant Classification Sherloc (09022015). Collection method: clinical testing. Allele origin: germline.
Comment: This variant results in a copy number gain of the genomic region encompassing exon(s) 13-16 of the BRCA1 gene. While the exact position of this variant cannot be determined from the data, sub-genic copy number gains are generally in tandem (PMID: 25640679). This variant is predicted to be in-frame, and likely preserves the integrity of the reading frame. This variant has not been reported in the literature in individuals affected with BRCA1-related conditions. Experimental studies and prediction algorithms are not available or were not evaluated, and the functional significance of this variant is currently unknown. In summary, the available evidence is currently insufficient to determine the role of this variant in disease. Therefore, it has been classified as a Variant of Uncertain Significance.

Literature cited by the submitters: PubMed 25640679.